The following is an entry in ClinVar:

ClinVar aggregate classification (germline): Uncertain significance (1 of 4 stars; one submission).

Conditions:
Inborn genetic diseases. Identifiers: MedGen C0950123, MeSH D030342.

Submission:

Ambry Genetics
Classification: Uncertain significance for Inborn genetic diseases. Last evaluated: 2026-07-30. Review status: criteria provided, single submitter. Criteria: Ambry Variant Classification Scheme 2023. Collection method: clinical testing. Allele origin: germline.
Comment: The p.S1093R variant (also known as c.3279C>A), located in coding exon 33 of the FANCA gene, results from a C to A substitution at nucleotide position 3279. The serine at codon 1093 is replaced by arginine, an amino acid with dissimilar properties. This amino acid position is conserved. In addition, this alteration is predicted to be tolerated by in silico analysis. Based on the available evidence, the clinical significance of this variant remains unclear.

NM_000135.4(FANCA):c.3279C>A (p.Ser1093Arg)

Gene: FANCA (FA complementation group A; minus strand). Cytogenetic location: 16q24.3.
Variant type: single nucleotide variant.
Coding change: c.3279C>A on transcript NM_000135.4 (MANE Select); coding-DNA position 3279, C replaced by A.
Protein change: p.Ser1093Arg; replaces serine 1093 with arginine.
Molecular consequence: missense variant.
Genome position (GRCh38, 1-based): chr16:89,748,728, G>T on the plus strand (C>A on the coding strand, the complement: FANCA is on the minus strand). VCF-style: chr16-89748728-G-T. GRCh37 (hg19) VCF-style: chr16-89815136-G-T.
Other names: c.3279C>A, p.Ser1093Arg (NM_001286167.3); short protein forms S1093R.
Identifiers: ClinVar variation 5036383 (VCV005036383.1).